The following is an entry in ClinVar:

ClinVar aggregate classification (germline): Pathogenic (1 of 4 stars; one submission).

Conditions:
Neuronal ceroid lipofuscinosis 2. Also called: TPP1-Related Neuronal Ceroid-Lipofuscinosis; JANSKY-BIELSCHOWSKY DISEASE NEURONAL CEROID LIPOFUSCINOSIS, LATE INFANTILE. Identifiers: Orphanet 168491, Orphanet 228349, Orphanet 79264, MedGen C1876161, MONDO:0008769, OMIM 204500.

Submission:

Myriad Genetics, Inc.
Classification: Pathogenic for Neuronal ceroid lipofuscinosis 2. Last evaluated: 2024-06-19. Review status: criteria provided, single submitter. Criteria: Myriad Autosomal Dominant, Autosomal Recessive and X-Linked Classification Criteria (2023). Collection method: clinical testing. Allele origin: unknown.
Comment: NM_000391.3(TPP1):c.1107_1108delTG(G370Kfs*32) is expected to be pathogenic in the context of TPP1-related neuronal ceroid lipofuscinosis. This variant is predicted to lead to an abnormal or absent protein product due to the creation of a premature termination codon in TPP1, a gene where loss-of-function variants are known to be pathogenic. Please note: this variant was assessed in the context of healthy population screening.

NM_000391.4(TPP1):c.1107_1108del (p.Gly370fs)

Gene: TPP1 (tripeptidyl peptidase 1; minus strand). Cytogenetic location: 11p15.4.
Variant type: Deletion.
Coding change: c.1107_1108del on transcript NM_000391.4 (MANE Select); coding-DNA positions 1107 to 1108, 2 bases deleted (TG; older notation c.1107_1108delTG).
Protein change: p.Gly370fs; shifts the reading frame from glycine 370.
Molecular consequence: frameshift variant.
Genome position (GRCh38, 1-based): chr11:6,616,042-6,616,043, CA deleted on the plus strand (TG on the coding strand, the reverse complement: TPP1 is on the minus strand). VCF-style (leftmost placement, unchanged base first): chr11-6616041-CCA-C. GRCh37 (hg19) VCF-style: chr11-6637272-CCA-C.
Other names: short protein forms G370fs.
Identifiers: ClinVar variation 5010948 (VCV005010948.1).